The following is an entry in ClinVar:

NM_201384.3(PLEC):c.9551C>G (p.Pro3184Arg)

Gene: PLEC (plectin; minus strand). Cytogenetic location: 8q24.3.
Variant type: single nucleotide variant.
Coding change: c.9551C>G on transcript NM_201384.3 (MANE Select); coding-DNA position 9551, C replaced by G.
Protein change: p.Pro3184Arg; replaces proline 3184 with arginine.
Molecular consequence: missense variant.
Genome position (GRCh38, 1-based): chr8:143,920,270, G>C on the plus strand (C>G on the coding strand, the complement: PLEC is on the minus strand). VCF-style: chr8-143920270-G-C. GRCh37 (hg19) VCF-style: chr8-144994438-G-C.
Other names: c.9485C>G, p.Pro3162Arg (NM_201379.3); c.9962C>G, p.Pro3321Arg (NM_201380.4); c.9455C>G, p.Pro3152Arg (NM_201381.3); c.9551C>G, p.Pro3184Arg (NM_201382.4); c.9563C>G, p.Pro3188Arg (NM_201383.3); c.9632C>G, p.Pro3211Arg (NM_000445.5); c.9509C>G, p.Pro3170Arg (NM_201378.4); short protein forms P3170R, P3188R, P3211R, P3162R, P3184R, P3152R, P3321R.
Identifiers: ClinVar variation 1520503 (VCV001520503.8), dbSNP rs782589164, ClinGen allele CA187610010.

ClinVar aggregate classification (germline): Uncertain significance (1 of 4 stars; one submission).

Conditions:
Epidermolysis bullosa simplex 5B, with muscular dystrophy (EBS5B). Also called: EPIDERMOLYSIS BULLOSA SIMPLEX AND LIMB-GIRDLE MUSCULAR DYSTROPHY; Epidermolysis bullosa simplex with muscular dystrophy. Identifiers: Orphanet 257, MedGen C2931072, MONDO:0009181, OMIM 226670.
Epidermolysis bullosa simplex with nail dystrophy (EBS5D). Identifiers: MedGen C4225309, MONDO:0014661, OMIM 616487.
Epidermolysis bullosa simplex, Ogna type (EBS5A). Also called: Pidermolysis bullosa simplex 5A, Ogna type; EPIDERMOLYSIS BULLOSA SIMPLEX 5A, OGNA TYPE. Identifiers: Orphanet 79401, MedGen C0432317, MONDO:0007555, OMIM 131950.
Epidermolysis bullosa simplex 5C, with pyloric atresia (EBS5C). Also called: PLEC-Related Epidermolysis Bullosa with Pyloric Atresia; Epidermolysis bullosa simplex with pyloric atresia; PLEC1-Related Epidermolysis Bullosa with Pyloric Atresia. Identifiers: Orphanet 158684, MedGen C2677349, MONDO:0012807, OMIM 612138.
Autosomal recessive limb-girdle muscular dystrophy type 2Q (LGMDR17). Also called: MUSCULAR DYSTROPHY, LIMB-GIRDLE, AUTOSOMAL RECESSIVE 17. Identifiers: Orphanet 254361, MedGen C3150989, MONDO:0013390, OMIM 613723.

gnomAD v4.1: 2 of 1,596,694 alleles (0.00013%); highest among the groups gnomAD compares: Non-Finnish European, 0.00017%; no homozygotes.

Submission:

Labcorp Genetics (formerly Invitae), Labcorp
Classification: Uncertain significance for Autosomal recessive limb-girdle muscular dystrophy type 2Q; Epidermolysis bullosa simplex, Ogna type; Epidermolysis bullosa simplex with nail dystrophy; Epidermolysis bullosa simplex 5C, with pyloric atresia; Epidermolysis bullosa simplex 5B, with muscular dystrophy. Last evaluated: 2024-05-02. Review status: criteria provided, single submitter. Criteria: Invitae Variant Classification Sherloc (09022015). Collection method: clinical testing. Allele origin: germline.
Comment: This sequence change replaces proline, which is neutral and non-polar, with arginine, which is basic and polar, at codon 3211 of the PLEC protein (p.Pro3211Arg). This variant is present in population databases (no rsID available, gnomAD 0.002%). This variant has not been reported in the literature in individuals affected with PLEC-related conditions. ClinVar contains an entry for this variant (Variation ID: 1520503). An algorithm developed to predict the effect of missense changes on protein structure and function (PolyPhen-2) suggests that this variant is likely to be disruptive. In summary, the available evidence is currently insufficient to determine the role of this variant in disease. Therefore, it has been classified as a Variant of Uncertain Significance.